The following is an entry in ClinVar:

ClinVar aggregate classification (germline): Uncertain significance (1 of 4 stars; one submission).

Allele frequency attached by ClinVar (database versions not stated): gnomAD exomes below 0.00001; gnomAD 0.00001.
gnomAD v4.1: 2 of 1,573,836 alleles (0.00013%); highest among the groups gnomAD compares: Non-Finnish European, 0.00017%; no homozygotes.

Submission:

Labcorp Genetics (formerly Invitae), Labcorp
Classification: Uncertain significance. Last evaluated: 2025-03-18. Review status: criteria provided, single submitter. Criteria: Invitae Variant Classification Sherloc (09022015). Collection method: clinical testing. Allele origin: germline.
Comment: This sequence change replaces valine, which is neutral and non-polar, with alanine, which is neutral and non-polar, at codon 841 of the ZNF341 protein (p.Val841Ala). This variant is not present in population databases (gnomAD no frequency). This variant has not been reported in the literature in individuals affected with ZNF341-related conditions. ClinVar contains an entry for this variant (Variation ID: 2096425). An algorithm developed to predict the effect of missense changes on protein structure and function (PolyPhen-2) suggests that this variant is likely to be disruptive. In summary, the available evidence is currently insufficient to determine the role of this variant in disease. Therefore, it has been classified as a Variant of Uncertain Significance.

NM_001282933.2(ZNF341):c.2543T>C (p.Val848Ala)

Genes: ZNF341 (zinc finger protein 341; plus strand), ZNF341-AS1 (ZNF341 antisense RNA 1; minus strand). Cytogenetic location: 20q11.22.
Variant type: single nucleotide variant.
Coding change: c.2543T>C on transcript NM_001282933.2 (MANE Select); coding-DNA position 2543, T replaced by C.
Protein change: p.Val848Ala; replaces valine 848 with alanine.
Molecular consequence: missense variant. On other transcripts: non-coding transcript variant (1).
Genome position (GRCh38, 1-based): chr20:33,791,495, T>C. VCF-style: chr20-33791495-T-C. GRCh37 (hg19) VCF-style: chr20-32379301-T-C.
Other names: c.2273T>C, p.Val758Ala (NM_001282935.2); c.2522T>C, p.Val841Ala (NM_032819.5); short protein forms V841A, V848A, V758A.
Identifiers: ClinVar variation 2096425 (VCV002096425.4), dbSNP rs2515515436, ClinGen allele CA408643077.
Genomic context (GRCh38, chr20:33,791,495, plus strand): 5'-TGGCTCTGGCGGAGCTGCAGGCTGGGGCCGAGGGCCCATGTGCCATGCTCGCTGTGCCCG[T>C]CTACATCCAGGCCTCCGAGTGACGGACCTGAGGTGTCTGTTTCCTGGGCAGGCCTGATGC-3'
Protein context (NP_001269862.1, residues 838-854): EGPCAMLAVP[Val848Ala]YIQASE